The following is an entry in ClinVar:

ClinVar aggregate classification (germline): Uncertain significance (1 of 4 stars; one submission).

Submission:

Labcorp Genetics (formerly Invitae), Labcorp
Classification: Uncertain significance. Last evaluated: 2022-07-19. Review status: criteria provided, single submitter. Criteria: Invitae Variant Classification Sherloc (09022015). Collection method: clinical testing. Allele origin: germline.
Comment: In summary, the available evidence is currently insufficient to determine the role of this variant in disease. Therefore, it has been classified as a Variant of Uncertain Significance. ClinVar contains an entry for this variant (Variation ID: 1449683). This variant has not been reported in the literature in individuals affected with TRMT5-related conditions. This variant is present in population databases (rs754441776, gnomAD 0.01%). This sequence change creates a premature translational stop signal (p.Lys181*) in the TRMT5 gene. It is expected to result in an absent or disrupted protein product. However, the current clinical and genetic evidence is not sufficient to establish whether loss-of-function variants in TRMT5 cause disease.

NM_020810.3(TRMT5):c.540dup (p.Lys181Ter)

Gene: TRMT5 (tRNA methyltransferase 5; minus strand). Cytogenetic location: 14q23.1.
Variant type: Duplication.
Coding change: c.540dup on transcript NM_020810.3 (MANE Select); coding-DNA position 540, one base duplicated (T; older notation c.540dupT).
Protein change: p.Lys181Ter; replaces lysine 181 with a stop codon.
Molecular consequence: nonsense.
Genome position (GRCh38, 1-based): chr14:60,979,358, A duplicated on the plus strand (T on the coding strand, the reverse complement: TRMT5 is on the minus strand); the first of 3 consecutive A bases (chr14:60,979,358-60,979,360); duplicating any one gives the same sequence. VCF-style (leftmost placement, unchanged base first): chr14-60979357-T-TA. GRCh37 (hg19) VCF-style: chr14-61446075-T-TA.
Other names: c.624dup, p.Lys209Ter (NM_001350253.1); c.621dup, p.Lys208Ter (NM_001350254.1); short protein forms K209*, K181*, K208*.
Identifiers: ClinVar variation 1449683 (VCV001449683.5), dbSNP rs754441776, ClinGen allele CA7213901.
Genomic context (GRCh38, chr14:60,979,357, plus strand): 5'-TAAACCCTGAAGTTACATCTTGACCTTCAGGAAGCACAGCTCTCAAGATTTCTTCTGACT[T>TA]AAAGTGTTCATATGTTAGTTCCAAATTGTATTTAGAGATCTGTGGACTGACATTAAGCTG-3'